The following is an entry in ClinVar:

NM_033419.5(PGAP3):c.653G>A (p.Arg218His)

Gene: PGAP3 (post-GPI attachment to proteins phospholipase 3; minus strand). Cytogenetic location: 17q12.
Variant type: single nucleotide variant.
Coding change: c.653G>A on transcript NM_033419.5 (MANE Select); coding-DNA position 653, G replaced by A.
Protein change: p.Arg218His; replaces arginine 218 with histidine.
Molecular consequence: missense variant. On other transcripts: intron variant (3).
Genome position (GRCh38, 1-based): chr17:39,673,555, C>T on the plus strand (G>A on the coding strand, the complement: PGAP3 is on the minus strand). VCF-style: chr17-39673555-C-T. GRCh37 (hg19) VCF-style: chr17-37829808-C-T.
Other names: c.500G>A, p.Arg167His (NM_001291726.2); c.590G>A, p.Arg197His (NM_001291728.2); c.433-689G>A (NM_001291733.2); c.494+438G>A (NM_001291732.2); c.557+438G>A (NM_001291730.2); short protein forms R218H, R197H, R167H.
Identifiers: ClinVar variation 393228 (VCV000393228.5), dbSNP rs749401877, ClinGen allele CA8533282.

ClinVar aggregate classification (germline): Conflicting classifications of pathogenicity. Review status: criteria provided, conflicting classifications (1 of 4 stars). 3 submissions from 3 submitters: Uncertain significance (2); Likely benign (1). Last evaluated 2022-11-17.

Conditions:
Inborn genetic diseases. Identifiers: MedGen C0950123, MeSH D030342.

Allele frequency attached by ClinVar (database versions not stated): gnomAD 0.00001; ExAC 0.00006; gnomAD exomes 0.00004; TOPMed 0.00002.
gnomAD v4.1: 20 of 1,614,004 alleles (0.0012%); highest among the groups gnomAD compares: Admixed American, 0.0017%; no homozygotes.

Submissions (3):

Ambry Genetics
Classification: Likely benign for Inborn genetic diseases. Last evaluated: 2022-11-17. Review status: criteria provided, single submitter. Criteria: Ambry Variant Classification Scheme 2023. Collection method: clinical testing. Allele origin: germline.

Labcorp Genetics (formerly Invitae), Labcorp
Classification: Uncertain significance. Last evaluated: 2022-09-01. Review status: criteria provided, single submitter. Criteria: Invitae Variant Classification Sherloc (09022015). Collection method: clinical testing. Allele origin: germline.
Comment: This sequence change replaces arginine, which is basic and polar, with histidine, which is basic and polar, at codon 218 of the PGAP3 protein (p.Arg218His). This variant is present in population databases (rs749401877, gnomAD 0.005%). This variant has not been reported in the literature in individuals affected with PGAP3-related conditions. ClinVar contains an entry for this variant (Variation ID: 393228). Algorithms developed to predict the effect of missense changes on protein structure and function output the following: SIFT: "Tolerated"; PolyPhen-2: "Benign"; Align-GVGD: "Class C0". The histidine amino acid residue is found in multiple mammalian species, which suggests that this missense change does not adversely affect protein function. In summary, the available evidence is currently insufficient to determine the role of this variant in disease. Therefore, it has been classified as a Variant of Uncertain Significance.

GeneDx
Classification: Uncertain significance. Last evaluated: 2017-02-07. Review status: criteria provided, single submitter. Criteria: GeneDx Variant Classification (06012015). Collection method: clinical testing. Allele origin: germline. Affected: yes.
Comment: The R218H variant in the PGAP3 gene has not been reported previously as a pathogenic variant, nor as a benign variant, to our knowledge. This variant is not observed at a significant frequency in large population cohorts (Lek et al., 2016; 1000 Genomes Consortium et al., 2015; Exome Variant Server). The R218H variant is a conservative amino acid substitution, which is not likely to impact secondary protein structure as these residues share similar properties. This substitution occurs at a position that is not conserved. In silico analysis is inconsistent in its predictions as to whether or not the variant is damaging to the protein structure/function. We interpret R218H as a variant of uncertain significance.